The following is an entry in ClinVar:

NC_012920.1(MT-TV):m.1657C>T

Gene: MT-TV (mitochondrially encoded tRNA valine; plus strand).
Variant type: single nucleotide variant.
Genome position: chrM-1657-C-T.
Identifiers: ClinVar variation 689850 (VCV000689850.1), dbSNP rs1603218606, ClinGen allele CA913163439.

ClinVar aggregate classification (germline): Benign (1 of 4 stars; one submission).

Conditions:
MELAS syndrome (MELAS). Also called: Juvenile myopathy, encephalopathy, lactic acidosis, stroke. Identifiers: Orphanet 550, MedGen C0162671, MONDO:0010789, OMIM 540000.

Submission:

Wong Mito Lab, Molecular and Human Genetics, Baylor College of Medicine
Classification: Benign for MELAS syndrome. Last evaluated: 2019-07-12. Review status: criteria provided, single submitter. Criteria: Modified ACMG Guidelines (Unpublished). Collection method: clinical testing. Allele origin: germline.
Comment: The NC_012920.1:m.1657C>T variant in MT-TV gene is interpreted to be a Benign variant based on the modified ACMG guidelines (unpublished). This variant meets the following evidence codes reported in the guidelines: BS1, BS2, BP4

Literature cited by the submitters: PubMed 31965079.